The following is an entry in ClinVar:

NM_000252.3(MTM1):c.1456C>T (p.Arg486Ter)

Gene: MTM1 (myotubularin 1; plus strand). Cytogenetic location: Xq28.
Variant type: single nucleotide variant.
Coding change: c.1456C>T on transcript NM_000252.3 (MANE Select); coding-DNA position 1456, C replaced by T.
Protein change: p.Arg486Ter; replaces arginine 486 with a stop codon.
Molecular consequence: nonsense.
Genome position (GRCh38, 1-based): chrX:150,660,473, C>T. VCF-style: chrX-150660473-C-T. GRCh37 (hg19) VCF-style: chrX-149828946-C-T.
Other names: c.1456C>T, p.Arg486Ter (NM_001376906.1, NM_001376908.1); c.1345C>T, p.Arg449Ter (NM_001376907.1); short protein forms R486*, R449*.
Identifiers: ClinVar variation 158938 (VCV000158938.14), dbSNP rs587783795, ClinGen allele CA271823.
Genomic context (GRCh38, chrX:150,660,473, plus strand): 5'-ATTTTGGATCATCTGTATAGTTGCCGATTTGGTACTTTCTTATTCAACTGTGAATCTGCT[C>T]GAGAAAGACAGGTGAGTTAAAATGCTATTTTTTTTGATACATTAGGCTTGCCAAAATGTA-3'

ClinVar aggregate classification (germline): Pathogenic. Review status: criteria provided, multiple submitters, no conflicts (2 of 4 stars). 2 submissions from 2 submitters: Pathogenic (2). Last evaluated 2022-02-10.

Conditions:
Severe X-linked myotubular myopathy (CNMX). Also called: MYOTUBULAR MYOPATHY 1; X-linked centronuclear myopathy; Myotubular myopathy, X-linked. Identifiers: Orphanet 596, MedGen C0410203, MONDO:0010683, OMIM 310400.

Submissions (2):

Labcorp Genetics (formerly Invitae), Labcorp
Classification: Pathogenic for Severe X-linked myotubular myopathy. Last evaluated: 2022-02-10. Review status: criteria provided, single submitter. Criteria: Invitae Variant Classification Sherloc (09022015). Collection method: clinical testing. Allele origin: germline.
Comment: For these reasons, this variant has been classified as Pathogenic. ClinVar contains an entry for this variant (Variation ID: 158938). This premature translational stop signal has been observed in individuals with myotubular myopathy (PMID: 10063835, 11793470, 12522554). This variant is not present in population databases (gnomAD no frequency). This sequence change creates a premature translational stop signal (p.Arg486*) in the MTM1 gene. It is expected to result in an absent or disrupted protein product. Loss-of-function variants in MTM1 are known to be pathogenic (PMID: 9305655, 10063835).

Genetic Services Laboratory, University of Chicago
Classification: Pathogenic for Myotubular myopathy, X-linked. Last evaluated: 2013-02-08. Review status: criteria provided, single submitter. Criteria: ACMG Guidelines, 2007. Collection method: clinical testing. Allele origin: germline. Inheritance: X-linked inheritance. Affected: yes.

Literature cited by the submitters: PubMed 10063835 (cited by Labcorp Genetics (formerly Invitae), Labcorp); PubMed 11793470 (cited by Labcorp Genetics (formerly Invitae), Labcorp); PubMed 12522554 (cited by Labcorp Genetics (formerly Invitae), Labcorp); PubMed 9305655 (cited by Labcorp Genetics (formerly Invitae), Labcorp).